The following is an entry in ClinVar:

ClinVar aggregate classification (germline): Uncertain significance (1 of 4 stars; one submission).

Conditions:
DiGeorge syndrome. Also called: THIRD AND FOURTH PHARYNGEAL POUCH SYNDROME; Catch22. Identifiers: Orphanet 567, MedGen C0012236, MONDO:0008564, OMIM 188400.

gnomAD v4.1: 5 of 1,001,268 alleles (0.0005%); highest among the groups gnomAD compares: South Asian, 0.0075%; no homozygotes.

Submission:

Labcorp Genetics (formerly Invitae), Labcorp
Classification: Uncertain significance for DiGeorge syndrome. Last evaluated: 2024-12-03. Review status: criteria provided, single submitter. Criteria: Invitae Variant Classification Sherloc (09022015). Collection method: clinical testing. Allele origin: germline.
Comment: This sequence change replaces glycine, which is neutral and non-polar, with aspartic acid, which is acidic and polar, at codon 26 of the TBX1 protein (p.Gly26Asp). The frequency data for this variant in the population databases is considered unreliable, as metrics indicate insufficient coverage at this position in the gnomAD database. This variant has not been reported in the literature in individuals affected with TBX1-related conditions. ClinVar contains an entry for this variant (Variation ID: 2194749). Experimental studies and prediction algorithms are not available or were not evaluated, and the functional significance of this variant is currently unknown. In summary, the available evidence is currently insufficient to determine the role of this variant in disease. Therefore, it has been classified as a Variant of Uncertain Significance.

NM_001379200.1(TBX1):c.104G>A (p.Gly35Asp)

Gene: TBX1 (T-box transcription factor 1; plus strand). Cytogenetic location: 22q11.21.
Variant type: single nucleotide variant.
Coding change: c.104G>A on transcript NM_001379200.1 (MANE Select); coding-DNA position 104, G replaced by A.
Protein change: p.Gly35Asp; replaces glycine 35 with aspartic acid.
Molecular consequence: missense variant.
Genome position (GRCh38, 1-based): chr22:19,760,947, G>A. VCF-style: chr22-19760947-G-A. GRCh37 (hg19) VCF-style: chr22-19748470-G-A.
Other names: c.77G>A, p.Gly26Asp (NM_005992.1, NM_080646.2, NM_080647.1); short protein forms G35D, G26D.
Identifiers: ClinVar variation 2194749 (VCV002194749.4), dbSNP rs1333920751, ClinGen allele CA410681159.